The following is an entry in ClinVar:

NM_032043.3(BRIP1):c.12del (p.Met4fs)

Gene: BRIP1 (BRCA1 interacting DNA helicase 1; minus strand). Cytogenetic location: 17q23.2.
Variant type: Deletion.
Coding change: c.12del on transcript NM_032043.3 (MANE Select); coding-DNA position 12, one base deleted (G; older notation c.12delG).
Protein change: p.Met4fs; shifts the reading frame from methionine 4.
Molecular consequence: frameshift variant.
Genome position (GRCh38, 1-based): chr17:61,861,528, C deleted on the plus strand (G on the coding strand, the reverse complement: BRIP1 is on the minus strand). VCF-style (leftmost placement, unchanged base first): chr17-61861527-AC-A. GRCh37 (hg19) VCF-style: chr17-59938888-AC-A.
Other names: short protein forms M4fs.
Identifiers: ClinVar variation 4294253 (VCV004294253.2).

ClinVar aggregate classification (germline): Pathogenic. Review status: criteria provided, multiple submitters, no conflicts (2 of 4 stars). 2 submissions from 2 submitters: Pathogenic (2). Last evaluated 2025-11-17.

Conditions:
Familial cancer of breast. Also called: Hereditary breast cancer; BREAST CANCER, FAMILIAL; hereditary breast carcinoma. Identifiers: Orphanet 227535, MedGen C0346153, MONDO:0016419, OMIM 114480. Disease mechanism: loss of function.
Fanconi anemia complementation group J. Also called: BRIP1-Related Fanconi Anemia. Identifiers: Orphanet 84, MedGen C1836860, MONDO:0012187, OMIM 609054.

Submissions (2):

Labcorp Genetics (formerly Invitae), Labcorp
Classification: Pathogenic for Familial cancer of breast; Fanconi anemia complementation group J. Last evaluated: 2025-11-17. Review status: criteria provided, single submitter. Criteria: Invitae Variant Classification Sherloc (09022015). Collection method: clinical testing. Allele origin: germline.
Comment: This sequence change creates a premature translational stop signal (p.Met4Ilefs*10) in the BRIP1 gene. It is expected to result in an absent or disrupted protein product. Loss-of-function variants in BRIP1 are known to be pathogenic (PMID: 16116423, 17033622, 21964575). This variant is not present in population databases (gnomAD no frequency). This variant has not been reported in the literature in individuals affected with BRIP1-related conditions. ClinVar contains an entry for this variant (Variation ID: 4294253). For these reasons, this variant has been classified as Pathogenic.

Myriad Genetics, Inc.
Classification: Pathogenic for Familial cancer of breast. Last evaluated: 2025-08-12. Review status: criteria provided, single submitter. Criteria: Myriad Autosomal Dominant, Autosomal Recessive and X-Linked Classification Criteria (2023). Collection method: clinical testing. Allele origin: unknown.
Comment: This variant is considered pathogenic. This variant creates a frameshift predicted to result in premature protein truncation.

Literature cited by the submitters: PubMed 16116423 (cited by Labcorp Genetics (formerly Invitae), Labcorp); PubMed 17033622 (cited by Labcorp Genetics (formerly Invitae), Labcorp); PubMed 21964575 (cited by Labcorp Genetics (formerly Invitae), Labcorp).